The following is an entry in ClinVar:

GRCh38/hg38 6q22.33(chr6:129052554-129173913)x1

Gene: LAMA2 (laminin subunit alpha 2; plus strand). Cytogenetic location: 6q22.33.
Variant type: copy number loss.
Change: copy number 1 (one copy instead of two) of chr6:129,052,554-129,173,913 (121.4 kb, GRCh38 coordinates, 1-based), cytogenetic band 6q22.33.
Identifiers: ClinVar variation 4796076 (VCV004796076.1).

ClinVar aggregate classification (germline): Uncertain significance (1 of 4 stars; one submission).

Submission:

Medical Genetic Center, Changzhi Maternal and Child Health Care Hospital
Classification: Uncertain significance. Last evaluated: 2025-12-10. Review status: criteria provided, single submitter. Criteria: ACMG/ClinGen CNV Guidelines, 2019. Collection method: clinical testing. Allele origin: unknown.